The following is an entry in ClinVar:

ClinVar aggregate classification (germline): Likely benign. Review status: criteria provided, multiple submitters, no conflicts (2 of 4 stars). 3 submissions from 3 submitters: Likely benign (2). 1 of the submissions does not count toward it. Last evaluated 2024-09-27.

Conditions:
Cardiovascular phenotype. Identifiers: MedGen CN230736.
Alstrom syndrome (ALMS). Identifiers: Orphanet 64, MedGen C0268425, MONDO:0008763, OMIM 203800.
ALMS1-related disorder. Also called: ALMS1-related condition.

Allele frequency attached by ClinVar (database versions not stated): gnomAD exomes below 0.00001 and 0.00001.
gnomAD v4.1: 5 of 1,614,182 alleles (0.00031%); highest among the groups gnomAD compares: Non-Finnish European, 0.00042%; no homozygotes.

Submissions (3):

Labcorp Genetics (formerly Invitae), Labcorp
Classification: Likely benign for Alstrom syndrome. Last evaluated: 2024-09-27. Review status: criteria provided, single submitter. Criteria: Invitae Variant Classification Sherloc (09022015). Collection method: clinical testing. Allele origin: germline.

Ambry Genetics
Classification: Likely benign for Cardiovascular phenotype. Last evaluated: 2019-10-11. Review status: criteria provided, single submitter. Criteria: Ambry Variant Classification Scheme 2023. Collection method: clinical testing. Allele origin: germline.

PreventionGenetics, part of Exact Sciences
Classification: Likely benign for ALMS1-related condition. Last evaluated: 2024-07-18. Review status: no assertion criteria provided. Collection method: clinical testing. Allele origin: germline. Not counted in ClinVar's aggregate classification.
Comment: This variant is classified as likely benign based on ACMG/AMP sequence variant interpretation guidelines (Richards et al. 2015 PMID: 25741868, with internal and published modifications).

NM_001378454.1(ALMS1):c.8691T>C (p.Asp2897=)

Gene: ALMS1 (ALMS1 centrosome and basal body associated protein; plus strand). Cytogenetic location: 2p13.1.
Variant type: single nucleotide variant.
Coding change: c.8691T>C on transcript NM_001378454.1 (MANE Select); coding-DNA position 8691, T replaced by C.
Protein change: p.Asp2897=; no amino-acid change (aspartic acid 2897 retained).
Molecular consequence: synonymous variant.
Genome position (GRCh38, 1-based): chr2:73,490,650, T>C. VCF-style: chr2-73490650-T-C. GRCh37 (hg19) VCF-style: chr2-73717777-T-C.
Other names: c.8694T>C, p.Asp2898= (NM_015120.4).
Identifiers: ClinVar variation 1089375 (VCV001089375.12), dbSNP rs1446635577, ClinGen allele CA427014199.